The following is an entry in ClinVar:

ClinVar aggregate classification (germline): Uncertain significance. Review status: criteria provided, multiple submitters, no conflicts (2 of 4 stars). 3 submissions from 3 submitters: Uncertain significance (2). 1 of the submissions does not count toward it. Last evaluated 2025-08-21.

Conditions:
Retinal dystrophy. Also called: Inherited retinal dystrophy. Identifiers: Orphanet 71862, MedGen C0854723, MeSH D058499, MONDO:0019118, HP:0000556.

Allele frequency attached by ClinVar (database versions not stated): ExAC 0.00001; gnomAD exomes 0.00001 and 0.00002; gnomAD 0.00002 and 0.00003; TOPMed 0.00004.
gnomAD v4.1: 24 of 1,613,682 alleles (0.0015%); highest among the groups gnomAD compares: African/African-American, 0.004%; no homozygotes.

Submissions (3):

Labcorp Genetics (formerly Invitae), Labcorp
Classification: Uncertain significance. Last evaluated: 2025-08-21. Review status: criteria provided, single submitter. Criteria: Invitae Variant Classification Sherloc (09022015). Collection method: clinical testing. Allele origin: germline.
Comment: This sequence change replaces arginine, which is basic and polar, with cysteine, which is neutral and slightly polar, at codon 231 of the CEP78 protein (p.Arg231Cys). This variant is present in population databases (rs776232414, gnomAD 0.004%). This variant has not been reported in the literature in individuals affected with CEP78-related conditions. ClinVar contains an entry for this variant (Variation ID: 858606). Invitae Evidence Modeling of protein sequence and biophysical properties (such as structural, functional, and spatial information, amino acid conservation, physicochemical variation, residue mobility, and thermodynamic stability) indicates that this missense variant is expected to disrupt CEP78 protein function with a positive predictive value of 80%. In summary, the available evidence is currently insufficient to determine the role of this variant in disease. Therefore, it has been classified as a Variant of Uncertain Significance.

Blueprint Genetics
Classification: Uncertain significance. Last evaluated: 2024-09-16. Review status: criteria provided, single submitter. Criteria: ACMG Guidelines, 2015. Collection method: clinical testing. Allele origin: germline.

Institute of Human Genetics, Univ. Regensburg, Univ. Regensburg
Classification: Uncertain significance for Retinal dystrophy. Last evaluated: 2020-01-01. Review status: no assertion criteria provided. Criteria: ACMG Guidelines, 2015. Collection method: clinical testing. Allele origin: germline. Affected: yes. Not counted in ClinVar's aggregate classification.

NM_001330691.3(CEP78):c.691C>T (p.Arg231Cys)

Gene: CEP78 (centrosomal protein 78; plus strand). Cytogenetic location: 9q21.2.
Variant type: single nucleotide variant.
Coding change: c.691C>T on transcript NM_001330691.3 (MANE Select); coding-DNA position 691, C replaced by T.
Protein change: p.Arg231Cys; replaces arginine 231 with cysteine.
Molecular consequence: missense variant.
Genome position (GRCh38, 1-based): chr9:78,243,549, C>T. VCF-style: chr9-78243549-C-T. GRCh37 (hg19) VCF-style: chr9-80858465-C-T.
Other names: c.691C>T, p.Arg231Cys (NM_001098802.3, NM_001330693.3, NM_001330694.2 and 4 more transcripts); short protein forms R231C.
Identifiers: ClinVar variation 858606 (VCV000858606.8), dbSNP rs776232414, ClinGen allele CA5095000.
Genomic context (GRCh38, chr9:78,243,549, plus strand): 5'-ACCTGGGCTGAGAGTCTTCGCTATAGGAGACCTGATCTTGACTGTATGGCTGGCTTAAGA[C>T]GTATCACACTGAATTGCAACACACTTATTGGTGACCTAGGTGCATGTGCTTTTGCAGACT-3'
Protein context (NP_001317620.1, residues 221-241): PDLDCMAGLR[Arg231Cys]ITLNCNTLIG